The following is an entry in ClinVar:

NM_014956.5(CEP164):c.1483C>T (p.Pro495Ser)

Gene: CEP164 (centrosomal protein 164; plus strand). Cytogenetic location: 11q23.3.
Variant type: single nucleotide variant.
Coding change: c.1483C>T on transcript NM_014956.5 (MANE Select); coding-DNA position 1483, C replaced by T.
Protein change: p.Pro495Ser; replaces proline 495 with serine.
Molecular consequence: missense variant.
Genome position (GRCh38, 1-based): chr11:117,381,774, C>T. VCF-style: chr11-117381774-C-T. GRCh37 (hg19) VCF-style: chr11-117252490-C-T.
Other names: c.1492C>T, p.Pro498Ser (NM_001271933.2, NM_001440949.1, NM_001440961.1 and 1 more transcripts); c.1483C>T, p.Pro495Ser (NM_001440950.1, NM_001440951.1, NM_001440953.1 and 10 more transcripts); c.1465C>T, p.Pro489Ser (NM_001440952.1, NM_001440968.1, NM_001440969.1 and 1 more transcripts); c.1405C>T, p.Pro469Ser (NM_001440954.1, NM_001440955.1, NM_001440958.1 and 12 more transcripts); c.1543C>T, p.Pro515Ser (NM_001440956.1, NM_001440957.1); c.1354C>T, p.Pro452Ser (NM_001440960.1); c.1324C>T, p.Pro442Ser (NM_001440972.1); short protein forms P452S, P469S, P498S, P442S, P489S, P495S, P515S.
Identifiers: ClinVar variation 5001506 (VCV005001506.1).
Genomic context (GRCh38, chr11:117,381,774, plus strand): 5'-CTTCCACACGAGGAGCGGGCCCAGAGTCCCCCTCGCAGCCTGGCCACTGAAGAAGAGCCT[C>T]CCCAGGGCCCCGAGGGGCAGCCCGAGTGGAAGGAGGCAGAGGAGCTTGGGGAGGACTCTG-3'
Protein context (NP_055771.4, residues 485-505): PRSLATEEEP[Pro495Ser]QGPEGQPEWK

ClinVar aggregate classification (germline): Uncertain significance (1 of 4 stars; one submission).

Conditions:
CEP164-related disorder. Also called: CEP164-related condition.

gnomAD v4.1: 6 of 1,596,972 alleles (0.00038%); highest among the groups gnomAD compares: Admixed American, 0.01%; no homozygotes.

Submission:

PreventionGenetics, part of Exact Sciences
Classification: Uncertain significance for CEP164-related condition. Last evaluated: 2025-04-20. Review status: criteria provided, single submitter. Criteria: ACMG Guidelines, 2015. Collection method: clinical testing. Allele origin: germline.
Comment: The CEP164 c.1483C>T variant is predicted to result in the amino acid substitution p.Pro495Ser. To our knowledge, this variant has not been reported in the literature or in a large population database (gnomAD), indicating this variant is rare. At this time, the clinical significance of this variant is uncertain due to the absence of conclusive functional and genetic evidence.